The following is an entry in ClinVar:

NM_001083116.3(PRF1):c.620C>T (p.Ser207Phe)

Gene: PRF1 (perforin 1; minus strand). Cytogenetic location: 10q22.1.
Variant type: single nucleotide variant.
Coding change: c.620C>T on transcript NM_001083116.3 (MANE Select); coding-DNA position 620, C replaced by T.
Protein change: p.Ser207Phe; replaces serine 207 with phenylalanine.
Molecular consequence: missense variant.
Genome position (GRCh38, 1-based): chr10:70,599,101, G>A on the plus strand (C>T on the coding strand, the complement: PRF1 is on the minus strand). VCF-style: chr10-70599101-G-A. GRCh37 (hg19) VCF-style: chr10-72358857-G-A.
Other names: c.620C>T, p.Ser207Phe (NM_005041.6); short protein forms S207F.
Identifiers: ClinVar variation 2065643 (VCV002065643.1), dbSNP rs2493484964, ClinGen allele CA376959018.
Genomic context (GRCh38, chr10:70,599,101, plus strand): 5'-ACAGCCCGGATGAAGTGGGTGCCGTAGTTGGAGATAAGCCTGAGGTAGGCGGGCTGGGTG[G>A]AGGCGTTGAAGTGGTGGGGCAGGTCCCCGAGGGCCCTCTTGAAGTCAGGGTGCAGCGGGG-3'
Protein context (NP_001076585.1, residues 197-217): LGDLPHHFNA[Ser207Phe]TQPAYLRLIS

ClinVar aggregate classification (germline): Uncertain significance (1 of 4 stars; one submission).

Conditions:
Familial hemophagocytic lymphohistiocytosis 2 (FHL2). Also called: PRF1-Related Familial Hemophagocytic Lymphohistiocytosis (PRF1-fHLH). Identifiers: Orphanet 540, MedGen C1863727, MONDO:0011337, OMIM 603553.

Submission:

Labcorp Genetics (formerly Invitae), Labcorp
Classification: Uncertain significance for Familial hemophagocytic lymphohistiocytosis 2. Last evaluated: 2022-03-19. Review status: criteria provided, single submitter. Criteria: Invitae Variant Classification Sherloc (09022015). Collection method: clinical testing. Allele origin: germline.
Comment: This sequence change replaces serine, which is neutral and polar, with phenylalanine, which is neutral and non-polar, at codon 207 of the PRF1 protein (p.Ser207Phe). This variant is not present in population databases (gnomAD no frequency). This variant has not been reported in the literature in individuals affected with PRF1-related conditions. Algorithms developed to predict the effect of missense changes on protein structure and function are either unavailable or do not agree on the potential impact of this missense change (SIFT: "Deleterious"; PolyPhen-2: "Possibly Damaging"; Align-GVGD: "Class C15"). In summary, the available evidence is currently insufficient to determine the role of this variant in disease. Therefore, it has been classified as a Variant of Uncertain Significance.